The following is an entry in ClinVar:

ClinVar aggregate classification (germline): Uncertain significance (1 of 4 stars; one submission).

Conditions:
Hyper-IgE recurrent infection syndrome 1, autosomal dominant. Also called: STAT3 Hyper IgE Syndrome; Hyper-IgE recurrent infection syndrome 1; JOB SYNDROME; Job's Syndrome; HYPER-IgE SYNDROME 1, AUTOSOMAL DOMINANT, WITH RECURRENT INFECTIONS. Identifiers: Orphanet 2314, MedGen C2936739, MONDO:0007818, OMIM 147060.
STAT3 gain of function. Identifiers: MedGen C4288261.

Submission:

Labcorp Genetics (formerly Invitae), Labcorp
Classification: Uncertain significance for STAT3 gain of function; Hyper-IgE recurrent infection syndrome 1, autosomal dominant. Last evaluated: 2024-11-28. Review status: criteria provided, single submitter. Criteria: Invitae Variant Classification Sherloc (09022015). Collection method: clinical testing. Allele origin: germline.
Comment: This sequence change replaces phenylalanine, which is neutral and non-polar, with leucine, which is neutral and non-polar, at codon 441 of the STAT3 protein (p.Phe441Leu). This variant is not present in population databases (gnomAD no frequency). This variant has not been reported in the literature in individuals affected with STAT3-related conditions. Invitae Evidence Modeling of protein sequence and biophysical properties (such as structural, functional, and spatial information, amino acid conservation, physicochemical variation, residue mobility, and thermodynamic stability) indicates that this missense variant is expected to disrupt STAT3 protein function with a positive predictive value of 80%. In summary, the available evidence is currently insufficient to determine the role of this variant in disease. Therefore, it has been classified as a Variant of Uncertain Significance.

NM_139276.3(STAT3):c.1321T>C (p.Phe441Leu)

Gene: STAT3 (signal transducer and activator of transcription 3; minus strand). Cytogenetic location: 17q21.2.
Variant type: single nucleotide variant.
Coding change: c.1321T>C on transcript NM_139276.3 (MANE Select); coding-DNA position 1321, T replaced by C.
Protein change: p.Phe441Leu; replaces phenylalanine 441 with leucine.
Molecular consequence: missense variant. On other transcripts: intron variant (1).
Genome position (GRCh38, 1-based): chr17:42,326,160, A>G on the plus strand (T>C on the coding strand, the complement: STAT3 is on the minus strand). VCF-style: chr17-42326160-A-G. GRCh37 (hg19) VCF-style: chr17-40478178-A-G.
Other names: c.1243T>C, p.Phe415Leu (NM_001384985.1); c.1336T>C, p.Phe446Leu (NM_001384986.1, NM_001384990.1); c.1321T>C, p.Phe441Leu (NM_001384987.1, NM_001384988.1, NM_001384991.1 and 11 more transcripts); c.1225T>C, p.Phe409Leu (NM_001384989.1); c.1261T>C, p.Phe421Leu (NM_001384992.1); c.1282-1099T>C (NM_001384984.1); short protein forms F409L, F415L, F421L, F441L, F446L.
Identifiers: ClinVar variation 3755959 (VCV003755959.2).